The following is an entry in ClinVar:

NM_001330700.2(TOP2B):c.396-18_396-5del

Gene: TOP2B (DNA topoisomerase II beta; minus strand). Cytogenetic location: 3p24.2.
Variant type: Deletion.
Coding change: c.396-18_396-5del on transcript NM_001330700.2 (MANE Select); 18 bases into the intron before coding-DNA position 396 through 5 bases into the intron before coding-DNA position 396, 14 bases deleted (TTTTTTTTTTTTTT).
Molecular consequence: intron variant.
Genome position (GRCh38, 1-based): chr3:25,638,315-25,638,328, AAAAAAAAAAAAAA deleted on the plus strand (TTTTTTTTTTTTTT on the coding strand, the reverse complement: TOP2B is on the minus strand); deleting any 14 consecutive bases within chr3:25,638,315-25,638,352 gives the same sequence; the c. name uses the placement nearest the transcript's 3' end. VCF-style (leftmost placement, unchanged base first): chr3-25638314-TAAAAAAAAAAAAAA-T. GRCh37 (hg19) VCF-style: chr3-25679805-TAAAAAAAAAAAAAA-T.
Other names: c.381-18_381-5del (NM_001068.3); c.396-18_396-5del14 (NM_001330700.1).
Identifiers: ClinVar variation 1141959 (VCV001141959.34), dbSNP rs56986587, ClinGen allele CA905648782.

ClinVar aggregate classification (germline): Benign/Likely benign. Review status: criteria provided, multiple submitters, no conflicts (2 of 4 stars). 5 submissions from 5 submitters: Benign (2); Likely benign (2). 1 of the submissions does not count toward it. Last evaluated 2026-08-01.

Conditions:
TOP2B-related disorder. Also called: TOP2B-related condition.

Submissions (5):

CeGaT Center for Human Genetics Tuebingen
Classification: Benign. Last evaluated: 2026-08-01. Review status: criteria provided, single submitter. Criteria: CeGaT Center For Human Genetics Tuebingen Variant Classification Criteria Version 2. Collection method: clinical testing. Allele origin: germline. Affected: yes. Observed: 3 variant alleles.
Comment: TOP2B: BP4, BS1, BS2

Labcorp Genetics (formerly Invitae), Labcorp
Classification: Likely benign. Last evaluated: 2026-02-03. Review status: criteria provided, single submitter. Criteria: Invitae Variant Classification Sherloc (09022015). Collection method: clinical testing. Allele origin: germline.

Laboratory of Genetics, Children's Clinical University Hospital Latvia
Classification: Benign. Last evaluated: 2025-02-16. Review status: criteria provided, single submitter. Criteria: ACMG Guidelines, 2015. Collection method: clinical testing. Allele origin: germline. Affected: yes.

Blueprint Genetics
Classification: Likely benign. Last evaluated: 2024-11-25. Review status: criteria provided, single submitter. Criteria: ACMG Guidelines, 2015. Collection method: clinical testing. Allele origin: germline.

PreventionGenetics, part of Exact Sciences
Classification: Likely benign for TOP2B-related condition. Last evaluated: 2023-11-30. Review status: no assertion criteria provided. Collection method: clinical testing. Allele origin: germline. Not counted in ClinVar's aggregate classification.
Comment: This variant is classified as likely benign based on ACMG/AMP sequence variant interpretation guidelines (Richards et al. 2015 PMID: 25741868, with internal and published modifications).